The following is an entry in ClinVar:

NM_003803.4(MYOM1):c.4113A>C (p.Glu1371Asp)

Gene: MYOM1 (myomesin 1; minus strand). Cytogenetic location: 18p11.31.
Variant type: single nucleotide variant.
Coding change: c.4113A>C on transcript NM_003803.4 (MANE Select); coding-DNA position 4113, A replaced by C.
Protein change: p.Glu1371Asp; replaces glutamic acid 1371 with aspartic acid.
Molecular consequence: missense variant.
Genome position (GRCh38, 1-based): chr18:3,089,198, T>G on the plus strand (A>C on the coding strand, the complement: MYOM1 is on the minus strand). VCF-style: chr18-3089198-T-G. GRCh37 (hg19) VCF-style: chr18-3089196-T-G.
Other names: c.3825A>C, p.Glu1275Asp (NM_019856.2); short protein forms E1371D, E1275D.
Identifiers: ClinVar variation 1737942 (VCV001737942.2), dbSNP rs2510503599, ClinGen allele CA401711880.
Genomic context (GRCh38, chr18:3,089,198, plus strand): 5'-CTTGAATCAAATATTAAAAATTTATCTACCTCTTACCTTGCATTTCAATAGTACATTACA[T>G]TCACCAGTCACTTCCCAGCTCAAATACTCAACAAAGTGAGGACCTATAAAATTTTAATGA-3'
Protein context (NP_003794.3, residues 1361-1381): VEYLSWEVTG[Glu1371Asp]CNVLLKCKVA

ClinVar aggregate classification (germline): Uncertain significance (1 of 4 stars; one submission).

Submission:

Ambry Genetics
Classification: Uncertain significance. Last evaluated: 2022-08-10. Review status: criteria provided, single submitter. Criteria: Ambry Variant Classification Scheme 2023. Collection method: clinical testing. Allele origin: germline.
Comment: The p.E1371D variant (also known as c.4113A>C), located in coding exon 28 of the MYOM1 gene, results from an A to C substitution at nucleotide position 4113. The glutamic acid at codon 1371 is replaced by aspartic acid, an amino acid with highly similar properties. This amino acid position is conserved. In addition, this alteration is predicted to be tolerated by in silico analysis. Since supporting evidence is limited at this time, the clinical significance of this alteration remains unclear.